The following is an entry in ClinVar:

NM_003119.4(SPG7):c.1324+10C>G

Gene: SPG7 (SPG7 matrix AAA peptidase subunit, paraplegin; plus strand). Cytogenetic location: 16q24.3.
Variant type: single nucleotide variant.
Coding change: c.1324+10C>G on transcript NM_003119.4 (MANE Select); 10 bases into the intron after coding-DNA position 1324, C replaced by G.
Molecular consequence: intron variant.
Genome position (GRCh38, 1-based): chr16:89,532,646, C>G. VCF-style: chr16-89532646-C-G. GRCh37 (hg19) VCF-style: chr16-89599054-C-G.
Other names: c.1324+10C>G (NM_001363850.1, NM_199367.3).
Identifiers: ClinVar variation 5005666 (VCV005005666.2).
Genomic context (GRCh38, chr16:89,532,646, plus strand): 5'-CCAACACGGAGGAGGAGCAGACGCTCAACCAGCTTCTGGTAGAAATGGATGGTCAGTGCT[C>G]GTGCGCCCCGCACCCCCATTGCACCATCAGAGGAGGTTTTCCGATGTCTTTCAGAACAGG-3'

ClinVar aggregate classification (germline): Uncertain significance (1 of 4 stars; one submission).

Conditions:
Hereditary spastic paraplegia 7 (SPG7). Also called: SPASTIC PARAPLEGIA 7, AUTOSOMAL RECESSIVE, WITH OR WITHOUT CEREBELLAR ATAXIA; SPG7-related neurologic disorder; Spastic paraplegia 7; Hereditary spastic paraplegia Paraplegin type; Autosomal recessive spastic paraplegia type 7. Identifiers: Orphanet 99013, MedGen C1846564, MONDO:0011803, OMIM 607259.

gnomAD v4.1: 1 of 1,612,998 alleles (0.000062%); no homozygotes.

Submission:

Juno Genomics, Hangzhou Juno Genomics, Inc
Classification: Uncertain significance for Hereditary spastic paraplegia 7. Review status: criteria provided, single submitter. Criteria: ACMG Guidelines, 2015. Collection method: clinical testing. Allele origin: germline.
Comment: Absent from controls (or at extremely low frequency if recessive) in Genome Aggregation Database.;Multiple lines of computational evidence support a deleterious effect on the gene or gene product.